The following is an entry in ClinVar:

NM_020184.4(CNNM4):c.668A>T (p.Glu223Val)

Gene: CNNM4 (cyclin and CBS domain divalent metal cation transport mediator 4; plus strand). Cytogenetic location: 2q11.2.
Variant type: single nucleotide variant.
Coding change: c.668A>T on transcript NM_020184.4 (MANE Select); coding-DNA position 668, A replaced by T.
Protein change: p.Glu223Val; replaces glutamic acid 223 with valine.
Molecular consequence: missense variant.
Genome position (GRCh38, 1-based): chr2:96,761,667, A>T. VCF-style: chr2-96761667-A-T. GRCh37 (hg19) VCF-style: chr2-97427404-A-T.
Other names: short protein forms E223V.
Identifiers: ClinVar variation 1995936 (VCV001995936.4), dbSNP rs2469453911, ClinGen allele CA347714668.

ClinVar aggregate classification (germline): Uncertain significance (1 of 4 stars; one submission).

Submission:

Labcorp Genetics (formerly Invitae), Labcorp
Classification: Uncertain significance. Last evaluated: 2022-11-01. Review status: criteria provided, single submitter. Criteria: Invitae Variant Classification Sherloc (09022015). Collection method: clinical testing. Allele origin: germline.
Comment: In summary, the available evidence is currently insufficient to determine the role of this variant in disease. Therefore, it has been classified as a Variant of Uncertain Significance. Advanced modeling of protein sequence and biophysical properties (such as structural, functional, and spatial information, amino acid conservation, physicochemical variation, residue mobility, and thermodynamic stability) performed at Invitae indicates that this missense variant is not expected to disrupt CNNM4 protein function. This variant has not been reported in the literature in individuals affected with CNNM4-related conditions. This variant is not present in population databases (gnomAD no frequency). This sequence change replaces glutamic acid, which is acidic and polar, with valine, which is neutral and non-polar, at codon 223 of the CNNM4 protein (p.Glu223Val).